The following is an entry in ClinVar:

NM_014780.5(CUL7):c.918G>C (p.Glu306Asp)

Gene: CUL7 (cullin 7; minus strand). Cytogenetic location: 6p21.1.
Variant type: single nucleotide variant.
Coding change: c.918G>C on transcript NM_014780.5 (MANE Select); coding-DNA position 918, G replaced by C.
Protein change: p.Glu306Asp; replaces glutamic acid 306 with aspartic acid.
Molecular consequence: missense variant.
Genome position (GRCh38, 1-based): chr6:43,051,283, C>G on the plus strand (G>C on the coding strand, the complement: CUL7 is on the minus strand). VCF-style: chr6-43051283-C-G. GRCh37 (hg19) VCF-style: chr6-43019021-C-G.
Other names: c.1014G>C, p.Glu338Asp (NM_001168370.2, NM_001374872.1); c.918G>C, p.Glu306Asp (NM_001374873.1, NM_001374874.1); short protein forms E306D, E338D.
Identifiers: ClinVar variation 4688662 (VCV004688662.1).
Genomic context (GRCh38, chr6:43,051,283, plus strand): 5'-GGACCGTGCTGAGCTCCTTGGTCTGTCTGAGGCCTGGTCCCAGCGCATGGCTTGCACCAG[C>G]TCCGAGATCAGGGTGCCCATGGCCATACTGAACTCCAGCTCCAGTTGACCCCTCTCCCCA-3'
Protein context (NP_055595.2, residues 296-316): FSMAMGTLIS[Glu306Asp]LVQAMRWDQA

ClinVar aggregate classification (germline): Uncertain significance (1 of 4 stars; one submission).

gnomAD v4.1: 28 of 1,610,720 alleles (0.0017%); highest among the groups gnomAD compares: South Asian, 0.029%; 2 homozygotes.

Submission:

Women's Health and Genetics/Laboratory Corporation of America, LabCorp
Classification: Uncertain significance. Last evaluated: 2025-12-02. Review status: criteria provided, single submitter. Criteria: LabCorp Variant Classification Summary - May 2015. Collection method: clinical testing. Allele origin: germline.
Comment: Variant summary: CUL7 c.918G>C (p.Glu306Asp) results in a conservative amino acid change in the encoded protein sequence. Algorithms developed to predict the effect of missense changes on protein structure and function are either unavailable or do not agree on the potential impact of this missense change. The variant allele was found at a frequency of 1.7e-05 in 1603756 control chromosomes, predominantly at a frequency of 0.00029 within the South Asian subpopulation in the gnomAD database, including 2 homozygotes. This frequency is not higher than the estimated maximum expected for disease-causing variants in CUL7, allowing no clear conclusions about variant significance. To our knowledge, no occurrence of c.918G>C in individuals affected with CUL7-related conditions and no experimental evidence demonstrating its impact on protein function have been reported. No submitters have cited clinical-significance assessments for this variant to ClinVar. Based on the evidence outlined above, the variant was classified as VUS-possibly benign.